The following is an entry in ClinVar:

ClinVar aggregate classification (germline): Likely benign. Review status: criteria provided, multiple submitters, no conflicts (2 of 4 stars). 4 submissions from 4 submitters: Likely benign (3). 1 of the submissions does not count toward it. Last evaluated 2026-06-01.

Conditions:
ACVRL1-related disorder. Also called: ACVRL1-related disorders; ACVRL1-related condition.
Cardiovascular phenotype. Identifiers: MedGen CN230736.
Telangiectasia, hereditary hemorrhagic, type 2 (HHT2). Also called: ACVRL1-Related Hereditary Hemorrhagic Telangiectasia; Telangiectasia, hereditary hemorrhagic, type II. Identifiers: Orphanet 774, MedGen C1838163, MONDO:0010880, OMIM 600376. Disease mechanism: loss of function.

Allele frequency attached by ClinVar (database versions not stated): ExAC 0.00001; gnomAD exomes 0.00001; gnomAD 0.00009; TOPMed 0.00011; ESP Exome Variant Server 0.00015.
gnomAD v4.1: 41 of 1,614,120 alleles (0.0025%); highest among the groups gnomAD compares: African/African-American, 0.039%; no homozygotes.

Submissions (4):

CeGaT Center for Human Genetics Tuebingen
Classification: Likely benign. Last evaluated: 2026-06-01. Review status: criteria provided, single submitter. Criteria: CeGaT Center For Human Genetics Tuebingen Variant Classification Criteria Version 2. Collection method: clinical testing. Allele origin: germline. Affected: yes. Observed: 1 variant allele.
Comment: ACVRL1: BP4, BP7

Labcorp Genetics (formerly Invitae), Labcorp
Classification: Likely benign for Telangiectasia, hereditary hemorrhagic, type 2. Last evaluated: 2025-09-29. Review status: criteria provided, single submitter. Criteria: Invitae Variant Classification Sherloc (09022015). Collection method: clinical testing. Allele origin: germline.

Ambry Genetics
Classification: Likely benign for Cardiovascular phenotype. Last evaluated: 2024-10-22. Review status: criteria provided, single submitter. Criteria: Ambry Variant Classification Scheme 2023. Collection method: clinical testing. Allele origin: germline.

PreventionGenetics, part of Exact Sciences
Classification: Likely benign for ACVRL1-related condition. Last evaluated: 2019-04-09. Review status: no assertion criteria provided. Collection method: clinical testing. Allele origin: germline. Not counted in ClinVar's aggregate classification.
Comment: This variant is classified as likely benign based on ACMG/AMP sequence variant interpretation guidelines (Richards et al. 2015 PMID: 25741868, with internal and published modifications).

NM_000020.3(ACVRL1):c.897T>C (p.Ala299=)

Gene: ACVRL1 (activin A receptor like type 1; plus strand). Cytogenetic location: 12q13.13.
Variant type: single nucleotide variant.
Coding change: c.897T>C on transcript NM_000020.3 (MANE Select); coding-DNA position 897, T replaced by C.
Protein change: p.Ala299=; no amino-acid change (alanine 299 retained).
Molecular consequence: synonymous variant.
Genome position (GRCh38, 1-based): chr12:51,915,349, T>C. VCF-style: chr12-51915349-T-C. GRCh37 (hg19) VCF-style: chr12-52309133-T-C.
Other names: c.897T>C, p.Ala299= (NM_001077401.2, NM_001406487.1, NM_001406488.1 and 1 more transcripts); c.585T>C, p.Ala195= (NM_001406490.1, NM_001406491.1, NM_001406492.1 and 2 more transcripts); c.333T>C, p.Ala111= (NM_001406495.1).
Identifiers: ClinVar variation 2061596 (VCV002061596.9), dbSNP rs370666061, ClinGen allele CA6573014.